The following is an entry in ClinVar:

NM_198576.4(AGRN):c.5908A>G (p.Asn1970Asp)

Gene: AGRN (agrin; plus strand). Cytogenetic location: 1p36.33.
Variant type: single nucleotide variant.
Coding change: c.5908A>G on transcript NM_198576.4 (MANE Select); coding-DNA position 5908, A replaced by G.
Protein change: p.Asn1970Asp; replaces asparagine 1970 with aspartic acid.
Molecular consequence: missense variant.
Genome position (GRCh38, 1-based): chr1:1,054,479, A>G. VCF-style: chr1-1054479-A-G. GRCh37 (hg19) VCF-style: chr1-989859-A-G.
Other names: c.5977A>G, p.Asn1993Asp (NM_001305275.2); c.5605A>G, p.Asn1869Asp (NM_001364727.2); short protein forms N1970D, N1993D, N1869D.
Identifiers: ClinVar variation 541176 (VCV000541176.11), dbSNP rs1473312060, ClinGen allele CA337785630.
Genomic context (GRCh38, chr1:1,054,479, plus strand): 5'-TGATGGTCTCCCCCTCCCTGCACACCCAGGGAGCAGAGGGAAGGTTCCCTGCAGGTGGGC[A>G]ATGAGGCCCCTGTGACCGGCTCCTCCCCGCTGGGCGCCACGCAGCTGGACACTGATGGAG-3'
Protein context (NP_940978.2, residues 1960-1980): EQREGSLQVG[Asn1970Asp]EAPVTGSSPL

ClinVar aggregate classification (germline): Uncertain significance. Review status: criteria provided, multiple submitters, no conflicts (2 of 4 stars). 2 submissions from 2 submitters: Uncertain significance (2). Last evaluated 2022-06-27.

Conditions:
Congenital myasthenic syndrome 8. Also called: MYASTHENIC SYNDROME, CONGENITAL, DUE TO AGRIN DEFICIENCY; Myasthenic syndrome, congenital, 8, with pre- and postsynaptic defects. Identifiers: Orphanet 590, MedGen C3808739, MONDO:0014052, OMIM 615120.

Allele frequency attached by ClinVar (database versions not stated): TOPMed below 0.00001; gnomAD exomes below 0.00001.
gnomAD v4.1: 1 of 1,600,644 alleles (0.000062%); highest among the groups gnomAD compares: Non-Finnish European, 0.000085%; no homozygotes.

Submissions (2):

Labcorp Genetics (formerly Invitae), Labcorp
Classification: Uncertain significance for Congenital myasthenic syndrome 8. Last evaluated: 2022-06-27. Review status: criteria provided, single submitter. Criteria: Invitae Variant Classification Sherloc (09022015). Collection method: clinical testing. Allele origin: germline.
Comment: In summary, the available evidence is currently insufficient to determine the role of this variant in disease. Therefore, it has been classified as a Variant of Uncertain Significance. Algorithms developed to predict the effect of missense changes on protein structure and function are either unavailable or do not agree on the potential impact of this missense change (SIFT: "Deleterious"; PolyPhen-2: "Probably Damaging"; Align-GVGD: "Class C0"). ClinVar contains an entry for this variant (Variation ID: 541176). This variant has not been reported in the literature in individuals affected with AGRN-related conditions. This variant is present in population databases (no rsID available, gnomAD 0.001%). This sequence change replaces asparagine, which is neutral and polar, with aspartic acid, which is acidic and polar, at codon 1970 of the AGRN protein (p.Asn1970Asp).

Revvity Omics, Revvity
Classification: Uncertain significance for Congenital myasthenic syndrome 8. Last evaluated: 2021-06-07. Review status: criteria provided, single submitter. Criteria: ACMG Guidelines, 2015. Collection method: clinical testing. Allele origin: germline.